The following is an entry in ClinVar:

ClinVar aggregate classification (germline): Likely benign (1 of 4 stars; one submission).

Conditions:
SEMA7A-related disorder. Also called: SEMA7A-related condition.

gnomAD v4.1: 15 of 1,614,058 alleles (0.00093%); highest among the groups gnomAD compares: East Asian, 0.0022%; no homozygotes.

Submission:

PreventionGenetics, part of Exact Sciences
Classification: Likely benign for SEMA7A-related condition. Last evaluated: 2026-02-03. Review status: criteria provided, single submitter. Criteria: ACMG Guidelines, 2015. Collection method: clinical testing. Allele origin: germline.
Comment: This variant is classified as likely benign based on ACMG/AMP sequence variant interpretation guidelines (Richards et al. 2015 PMID: 25741868, with internal and published modifications).

NM_003612.5(SEMA7A):c.1689C>T (p.Tyr563=)

Gene: SEMA7A (semaphorin 7A (JohnMiltonHagen blood group); minus strand). Cytogenetic location: 15q24.1.
Variant type: single nucleotide variant.
Coding change: c.1689C>T on transcript NM_003612.5 (MANE Select); coding-DNA position 1689, C replaced by T.
Protein change: p.Tyr563=; no amino-acid change (tyrosine 563 retained).
Molecular consequence: synonymous variant.
Genome position (GRCh38, 1-based): chr15:74,410,936, G>A on the plus strand (C>T on the coding strand, the complement: SEMA7A is on the minus strand). VCF-style: chr15-74410936-G-A. GRCh37 (hg19) VCF-style: chr15-74703277-G-A.
Other names: c.1647C>T, p.Tyr549= (NM_001146029.3); c.1194C>T, p.Tyr398= (NM_001146030.3).
Identifiers: ClinVar variation 4981679 (VCV004981679.1).